The following is an entry in ClinVar:

ClinVar aggregate classification (germline): Uncertain significance (1 of 4 stars; one submission).

Conditions:
Hereditary cancer-predisposing syndrome. Also called: Neoplastic Syndromes, Hereditary; Tumor predisposition; Hereditary Cancer Syndrome; Hereditary neoplastic syndrome. Identifiers: Orphanet 140162, MedGen C0027672, MeSH D009386, MONDO:0015356.

Allele frequency attached by ClinVar (database versions not stated): ExAC 0.00001.
gnomAD v4.1: 1 of 1,613,638 alleles (0.000062%); highest among the groups gnomAD compares: African/African-American, 0.0013%; no homozygotes.

Submission:

Ambry Genetics
Classification: Uncertain significance for Hereditary cancer-predisposing syndrome. Last evaluated: 2021-07-31. Review status: criteria provided, single submitter. Criteria: Ambry Variant Classification Scheme 2023. Collection method: clinical testing. Allele origin: germline.
Comment: The p.D516G variant (also known as c.1547A>G), located in coding exon 13 of the MRE11A gene, results from an A to G substitution at nucleotide position 1547. The aspartic acid at codon 516 is replaced by glycine, an amino acid with similar properties. This amino acid position is conserved. In addition, the in silico prediction for this alteration is inconclusive. Since supporting evidence is limited at this time, the clinical significance of this alteration remains unclear.

NM_005591.4(MRE11):c.1547A>G (p.Asp516Gly)

Gene: MRE11 (MRE11 double strand break repair nuclease; minus strand). Cytogenetic location: 11q21.
Variant type: single nucleotide variant.
Coding change: c.1547A>G on transcript NM_005591.4 (MANE Select); coding-DNA position 1547, A replaced by G.
Protein change: p.Asp516Gly; replaces aspartic acid 516 with glycine.
Molecular consequence: missense variant.
Genome position (GRCh38, 1-based): chr11:94,456,292, T>C on the plus strand (A>G on the coding strand, the complement: MRE11 is on the minus strand). VCF-style: chr11-94456292-T-C. GRCh37 (hg19) VCF-style: chr11-94189458-T-C.
Other names: c.1547A>G, p.Asp516Gly (NM_001330347.2, NM_005590.4); short protein forms D516G.
Identifiers: ClinVar variation 1800359 (VCV001800359.2), dbSNP rs771215537, ClinGen allele CA6235045.